The following is an entry in ClinVar:

NM_000090.4(COL3A1):c.610G>T (p.Gly204Cys)

Gene: COL3A1 (collagen type III alpha 1 chain; plus strand). Cytogenetic location: 2q32.2.
Variant type: single nucleotide variant.
Coding change: c.610G>T on transcript NM_000090.4 (MANE Select); coding-DNA position 610, G replaced by T.
Protein change: p.Gly204Cys; replaces glycine 204 with cysteine.
Molecular consequence: missense variant.
Genome position (GRCh38, 1-based): chr2:188,988,617, G>T. VCF-style: chr2-188988617-G-T. GRCh37 (hg19) VCF-style: chr2-189853343-G-T.
Other names: short protein forms G204C.
Identifiers: ClinVar variation 3688779 (VCV003688779.2).

ClinVar aggregate classification (germline): Likely pathogenic (1 of 4 stars; one submission).

Conditions:
Ehlers-Danlos syndrome, type 4 (EDSVASC). Also called: Ehlers-Danlos syndrome vascular type; Ehlers Danlos syndrome, ecchymotic type; Ehlers Danlos syndrome, arterial type; Ehlers Danlos syndrome, Sack-Barabas type; Ehlers-Danlos Syndrome Type IV. Identifiers: Orphanet 286, MedGen C0268338, MONDO:0017314, OMIM 130050.

Submission:

Labcorp Genetics (formerly Invitae), Labcorp
Classification: Likely pathogenic for Ehlers-Danlos syndrome, type 4. Last evaluated: 2024-06-11. Review status: criteria provided, single submitter. Criteria: Invitae Variant Classification Sherloc (09022015). Collection method: clinical testing. Allele origin: germline.
Comment: This sequence change replaces glycine, which is neutral and non-polar, with cysteine, which is neutral and slightly polar, at codon 204 of the COL3A1 protein (p.Gly204Cys). This variant is not present in population databases (gnomAD no frequency). This variant has not been reported in the literature in individuals affected with COL3A1-related conditions. Advanced modeling of protein sequence and biophysical properties (such as structural, functional, and spatial information, amino acid conservation, physicochemical variation, residue mobility, and thermodynamic stability) performed at Invitae indicates that this missense variant is expected to disrupt COL3A1 protein function with a positive predictive value of 95%. This variant disrupts the triple helix domain of COL3A1. Glycine residues within the Gly-Xaa-Yaa repeats of the triple helix domain are required for the structure and stability of fibrillar collagens (PMID: 7695699, 8218237, 19344236). In COL3A1, variants that affect these glycine residues are significantly enriched in individuals with disease (PMID: 24922459, 25758994) compared to the general population (ExAC). In summary, the currently available evidence indicates that the variant is pathogenic, but additional data are needed to prove that conclusively. Therefore, this variant has been classified as Likely Pathogenic.

Literature cited by the submitters: PubMed 7695699; PubMed 8218237; PubMed 19344236; PubMed 24922459; PubMed 25758994.